The following is an entry in ClinVar:

NM_000138.5(FBN1):c.6629G>A (p.Cys2210Tyr)

Gene: FBN1 (fibrillin 1; minus strand). Cytogenetic location: 15q21.1.
Variant type: single nucleotide variant.
Coding change: c.6629G>A on transcript NM_000138.5 (MANE Select); coding-DNA position 6629, G replaced by A.
Protein change: p.Cys2210Tyr; replaces cysteine 2210 with tyrosine.
Molecular consequence: missense variant.
Genome position (GRCh38, 1-based): chr15:48,432,976, C>T on the plus strand (G>A on the coding strand, the complement: FBN1 is on the minus strand). VCF-style: chr15-48432976-C-T. GRCh37 (hg19) VCF-style: chr15-48725173-C-T.
Other names: short protein forms C2210Y.
Identifiers: ClinVar variation 1685818 (VCV001685818.10), dbSNP rs2141235242, ClinGen allele CA392333701.
Genomic context (GRCh38, chr15:48,432,976, plus strand): 5'-CATTCATATGACCCATAAGTGTTCACACATCGGAAGGCACAGAGCAGAGGATTCTGGGCA[C>T]ATTCATTTATATCTGCAGCAGAGGAGAGTAAGTAAATAAGGGATCATGGACAGCAACAAA-3'
Protein context (NP_000129.3, residues 2200-2220): PMMTCEDINE[Cys2210Tyr]AQNPLLCAFR

ClinVar aggregate classification (germline): Pathogenic/Likely pathogenic. Review status: criteria provided, multiple submitters, no conflicts (2 of 4 stars). 5 submissions from 5 submitters: Pathogenic (2); Likely pathogenic (3). Last evaluated 2023-11-06.

Conditions:
Familial thoracic aortic aneurysm and aortic dissection (TAAD). Also called: Thoracic aortic aneurysms and dissections. Identifiers: Orphanet 91387, MedGen C4707243, MONDO:0019625.
Acromicric dysplasia (ACMICD). Also called: Acromicric skeletal dysplasia. Identifiers: Orphanet 969, MedGen C0265287, MONDO:0007055, OMIM 102370.
Marfan syndrome (MFS). Also called: Marfan syndrome, classic; MARFAN SYNDROME, TYPE I; Marfan syndrome type 1; Marfan's syndrome; FBN1-Related Marfan Syndrome. Identifiers: Orphanet 284963, Orphanet 558, MedGen C0024796, MONDO:0007947, OMIM 154700.

Submissions (5):

GeneDx
Classification: Likely pathogenic. Last evaluated: 2023-11-06. Review status: criteria provided, single submitter. Criteria: GeneDx Variant Classification Process June 2021. Collection method: clinical testing. Allele origin: germline.
Comment: Affects a cysteine residue within a calcium-binding EGF-like domain of the FBN1 gene, which may affect disulfide bonding and is predicted to alter the structure and function of the protein; cysteine substitutions in the calcium-binding EGF-like domains represent the majority of pathogenic missense changes associated with FBN1-related disorders (PMID: 12938084); Not observed at significant frequency in large population cohorts (gnomAD); In silico analysis supports that this missense variant has a deleterious effect on protein structure/function; This variant is associated with the following publications: (PMID: 27724990, 12938084)

Labcorp Genetics (formerly Invitae), Labcorp
Classification: Pathogenic for Marfan syndrome; Familial thoracic aortic aneurysm and aortic dissection. Last evaluated: 2023-07-18. Review status: criteria provided, single submitter. Criteria: Invitae Variant Classification Sherloc (09022015). Collection method: clinical testing. Allele origin: germline.
Comment: For these reasons, this variant has been classified as Pathogenic. This variant affects a cysteine residue in the EGF-like, TGFBP or hybrid motif domains of FBN1. Cysteine residues are believed to be involved in intramolecular disulfide bridges and have been shown to be important for FBN1 protein structure (PMID: 16905551, 19349279). In addition, missense substitutions affecting cysteine residues within these domains are significantly overrepresented among patients with Marfan syndrome (PMID: 16571647, 17701892). Advanced modeling of protein sequence and biophysical properties (such as structural, functional, and spatial information, amino acid conservation, physicochemical variation, residue mobility, and thermodynamic stability) performed at Invitae indicates that this missense variant is expected to disrupt FBN1 protein function. ClinVar contains an entry for this variant (Variation ID: 1685818). This missense change has been observed in individual(s) with Marfan syndrome (PMID: 27724990). This variant is not present in population databases (gnomAD no frequency). This sequence change replaces cysteine, which is neutral and slightly polar, with tyrosine, which is neutral and polar, at codon 2210 of the FBN1 protein (p.Cys2210Tyr).

Mendelics
Classification: Pathogenic for Acromicric dysplasia. Last evaluated: 2022-05-04. Review status: criteria provided, single submitter. Criteria: Mendelics Assertion Criteria 2019. Collection method: clinical testing. Allele origin: germline.

Laboratory for Molecular Medicine, Mass General Brigham Personalized Medicine
Classification: Likely pathogenic for Marfan syndrome. Last evaluated: 2019-03-07. Review status: criteria provided, single submitter. Criteria: ACMG Guidelines, 2015. Collection method: clinical testing. Allele origin: germline. Inheritance: Autosomal dominant inheritance.
Comment: The p.Cys2210Tyr variant has been reported in one individual with Marfan syndrome (Zhurayev 2016) and was absent from large population studies. Additionally, 4 other variants at the same position (p.Cys2210X, p.Cys2210Trp, p.Cys2210Ser, p.Cys2210Arg) have been identified in individual with features of Marfan syndrome (Lerner-Ellis 2014, ClinVar), suggesting that a change at this position may not be tolerated. Computational prediction tools and conservation analysis suggest that the p.Cys2210Tyr variant may impact the protein, though this information is not predictive enough to determine pathogenicity. Furthermore, this variant affects a highly conserved cysteine residue in the EGF-like domains, which is a common finding in individuals with Marfan syndrome (Schrijver 1999). In summary, although additional studies are required to fully establish its clinical significance, this variant meets criteria to be classified as likely pathogenic for autosomal dominant Marfan syndrome. ACMG/AMP Criteria applied: PM1; PM2; PP3; PS4_Supporting.

Ambry Genetics
Classification: Likely pathogenic for Familial thoracic aortic aneurysm and aortic dissection. Last evaluated: 2018-05-17. Review status: criteria provided, single submitter. Criteria: Ambry Variant Classification Scheme 2023. Collection method: clinical testing. Allele origin: germline.
Comment: The p.C2210Y variant (also known as c.6629G>A), located in coding exon 54 of the FBN1 gene, results from a G to A substitution at nucleotide position 6629. The cysteine at codon 2210 is replaced by tyrosine, an amino acid with highly dissimilar properties. This alteration has been reported in an individual with a clinical diagnosis of Marfan syndrome (Zhurayev R et al. Genet Res (Camb), 2016 Oct;98:e13). Another alteration affecting the same amino acid, p.C2210W (c.6630T>G), has also been reported in association with Marfan syndrome (Lerner-Ellis JP et al. Mol. Genet. Metab., 2014 Jun;112:171-6). This amino acid position is highly conserved in available vertebrate species. In addition, this alteration is predicted to be deleterious by in silico analysis. Based on internal structural assessment, this alteration eliminates a structurally critical disulfide in the structurally sensitive cbEGF domain #34. The majority of FBN1 mutations identified to date have involved the substitution or generation of cysteine residues within cbEGF domains (Vollbrandt T et al. J Biol Chem. 2004;279(31):32924-32931). Based on the majority of available evidence to date, this variant is likely to be pathogenic.

Literature cited by the submitters: PubMed 16905551 (cited by Labcorp Genetics (formerly Invitae), Labcorp); PubMed 19349279 (cited by Labcorp Genetics (formerly Invitae), Labcorp); PubMed 16571647 (cited by Labcorp Genetics (formerly Invitae), Labcorp); PubMed 17701892 (cited by Labcorp Genetics (formerly Invitae), Labcorp); PubMed 27724990 (cited by Labcorp Genetics (formerly Invitae), Labcorp and Ambry Genetics); PubMed 24793577 (cited by Ambry Genetics).